The following is an entry in ClinVar:

ClinVar aggregate classification (germline): Uncertain significance (1 of 4 stars; one submission).

Conditions:
PLXNA4-related disorder. Also called: PLXNA4-related condition.

Allele frequency attached by ClinVar (database versions not stated): ExAC 0.00002; gnomAD exomes 0.00002; gnomAD 0.00003.
gnomAD v4.1: 32 of 1,607,222 alleles (0.002%); highest among the groups gnomAD compares: Admixed American, 0.0033%; no homozygotes.

Submission:

PreventionGenetics, part of Exact Sciences
Classification: Uncertain significance for PLXNA4-related condition. Last evaluated: 2026-06-06. Review status: criteria provided, single submitter. Criteria: ACMG Guidelines, 2015. Collection method: clinical testing. Allele origin: germline.
Comment: The PLXNA4 c.1188G>A variant is not predicted to result in an amino acid change (p.=). This variant occurs at the last nucleotide position of an exon and is predicted to impact splicing based on a splicing prediction program (SpliceAI, Jaganathan K, et al. 2019. PubMed ID: 30661751). To our knowledge, this variant has not been reported in the literature. This variant is reported in 0.0034% of alleles in individuals of South Asian descent in gnomAD. At this time, the clinical significance of this variant is uncertain due to the absence of conclusive functional and genetic evidence.

NM_020911.2(PLXNA4):c.1188G>A (p.Ala396=)

Gene: PLXNA4 (plexin A4; minus strand). Cytogenetic location: 7q32.3.
Variant type: single nucleotide variant.
Coding change: c.1188G>A on transcript NM_020911.2 (MANE Select); coding-DNA position 1188, G replaced by A.
Protein change: p.Ala396=; no amino-acid change (alanine 396 retained).
Molecular consequence: synonymous variant.
Genome position (GRCh38, 1-based): chr7:132,507,506, C>T on the plus strand (G>A on the coding strand, the complement: PLXNA4 is on the minus strand). VCF-style: chr7-132507506-C-T. GRCh37 (hg19) VCF-style: chr7-132192265-C-T.
Other names: c.1188G>A, p.Ala396= (NM_001105543.2, NM_001393897.1, NM_181775.4).
Identifiers: ClinVar variation 3029647 (VCV003029647.3), dbSNP rs754166907, ClinGen allele CA4490363.